The following is an entry in ClinVar:

NM_001384732.1(CPLANE1):c.1015G>A (p.Val339Ile)

Gene: CPLANE1 (ciliogenesis and planar polarity effector complex subunit 1; minus strand). Cytogenetic location: 5p13.2.
Variant type: single nucleotide variant.
Coding change: c.1015G>A on transcript NM_001384732.1 (MANE Select); coding-DNA position 1015, G replaced by A.
Protein change: p.Val339Ile; replaces valine 339 with isoleucine.
Molecular consequence: missense variant.
Genome position (GRCh38, 1-based): chr5:37,230,973, C>T on the plus strand (G>A on the coding strand, the complement: CPLANE1 is on the minus strand). VCF-style: chr5-37230973-C-T. GRCh37 (hg19) VCF-style: chr5-37231075-C-T.
Other names: c.1015G>A, p.Val339Ile (NM_023073.4); short protein forms V339I.
Identifiers: ClinVar variation 1402939 (VCV001402939.9), dbSNP rs527836330, ClinGen allele CA3239140.

ClinVar aggregate classification (germline): Uncertain significance. Review status: criteria provided, multiple submitters, no conflicts (2 of 4 stars). 2 submissions from 2 submitters: Uncertain significance (2). Last evaluated 2024-10-24.

Allele frequency attached by ClinVar (database versions not stated): gnomAD 0.00001; gnomAD exomes 0.00001 and 0.00004; TOPMed 0.00004; ExAC 0.00005; 1000 Genomes Project 30x 0.00016; 1000 Genomes Project 0.00020.
gnomAD v4.1: 13 of 1,551,024 alleles (0.00084%); highest among the groups gnomAD compares: Admixed American, 0.014%; no homozygotes.

Submissions (2):

Blueprint Genetics
Classification: Uncertain significance. Last evaluated: 2024-10-24. Review status: criteria provided, single submitter. Criteria: ACMG Guidelines, 2015. Collection method: clinical testing. Allele origin: germline.

Labcorp Genetics (formerly Invitae), Labcorp
Classification: Uncertain significance. Last evaluated: 2024-02-02. Review status: criteria provided, single submitter. Criteria: Invitae Variant Classification Sherloc (09022015). Collection method: clinical testing. Allele origin: germline.
Comment: This sequence change replaces valine, which is neutral and non-polar, with isoleucine, which is neutral and non-polar, at codon 339 of the CPLANE1 protein (p.Val339Ile). This variant is present in population databases (rs527836330, gnomAD 0.02%). This variant has not been reported in the literature in individuals affected with CPLANE1-related conditions. ClinVar contains an entry for this variant (Variation ID: 1402939). Advanced modeling of protein sequence and biophysical properties (such as structural, functional, and spatial information, amino acid conservation, physicochemical variation, residue mobility, and thermodynamic stability) performed at Invitae indicates that this missense variant is not expected to disrupt CPLANE1 protein function with a negative predictive value of 95%. In summary, the available evidence is currently insufficient to determine the role of this variant in disease. Therefore, it has been classified as a Variant of Uncertain Significance.